The following is an entry in ClinVar:

NM_001848.3(COL6A1):c.788G>A (p.Gly263Asp)

Gene: COL6A1 (collagen type VI alpha 1 chain; plus strand). Cytogenetic location: 21q22.3.
Variant type: single nucleotide variant.
Coding change: c.788G>A on transcript NM_001848.3 (MANE Select); coding-DNA position 788, G replaced by A.
Protein change: p.Gly263Asp; replaces glycine 263 with aspartic acid.
Molecular consequence: missense variant.
Genome position (GRCh38, 1-based): chr21:45,987,638, G>A. VCF-style: chr21-45987638-G-A. GRCh37 (hg19) VCF-style: chr21-47407552-G-A.
Other names: c.788G>A (NM_001848.2); short protein forms G263D.
Identifiers: ClinVar variation 286252 (VCV000286252.14), dbSNP rs886043351, ClinGen allele CA10605416.

ClinVar aggregate classification (germline): Conflicting classifications of pathogenicity. Review status: criteria provided, conflicting classifications (1 of 4 stars). 4 submissions from 4 submitters: Pathogenic (1); Likely pathogenic (2); Uncertain significance (1). Last evaluated 2025-12-29.

Conditions:
Bethlem myopathy 1A. Also called: Bethlem Muscular Dystrophy; MYOPATHY, BENIGN CONGENITAL, WITH CONTRACTURES; Bethlem myopathy 1. Identifiers: Orphanet 610, MedGen CN029274, MONDO:0024530, OMIM 158810.

Submissions (4):

3billion
Classification: Likely pathogenic for Bethlem myopathy 1A. Last evaluated: 2025-12-29. Review status: criteria provided, single submitter. Criteria: ACMG Guidelines, 2015. Collection method: clinical testing. Allele origin: germline. Affected: yes.
Comment: The variant is not observed in the gnomAD v4.1.0 dataset. Predicted Consequence/Location: Missense variant In silico tool predictions suggest damaging effect of the variant on gene or gene product [REVEL: 0.95 (>=0.6, sensitivity 0.68 and specificity 0.92); 3Cnet: 0.98 (> 0.75, sensitivity 0.96 and precision 0.92)]. The same nucleotide change resulting in the same amino acid change has been previously reported to be associated with COL6A1-related disorder (ClinVar ID: VCV000286252 /PMID: 38155714).Different missense changes at the same codon (p.Gly263Cys, p.Gly263Val) have been reported as pathogenic/likely pathogenic with strong evidence (ClinVar ID: VCV000570612, VCV000623127 /PMID: 24038877). Therefore, this variant is classified as Likely pathogenic according to the recommendation of ACMG/AMP guideline.

Labcorp Genetics (formerly Invitae), Labcorp
Classification: Pathogenic for Bethlem myopathy 1A. Last evaluated: 2023-10-20. Review status: criteria provided, single submitter. Criteria: Invitae Variant Classification Sherloc (09022015). Collection method: clinical testing. Allele origin: germline.
Comment: This sequence change replaces glycine, which is neutral and non-polar, with aspartic acid, which is acidic and polar, at codon 263 of the COL6A1 protein (p.Gly263Asp). This variant is not present in population databases (gnomAD no frequency). This missense change has been observed in individual(s) with clinical features of autosomal dominant COL6A1-related conditions (Invitae). It has also been observed to segregate with disease in related individuals. ClinVar contains an entry for this variant (Variation ID: 286252). Advanced modeling of protein sequence and biophysical properties (such as structural, functional, and spatial information, amino acid conservation, physicochemical variation, residue mobility, and thermodynamic stability) performed at Invitae indicates that this missense variant is expected to disrupt COL6A1 protein function. This variant disrupts the triple helix domain of COL6A1. Glycine residues within the Gly-Xaa-Yaa repeats of the triple helix domain are required for the structure and stability of fibrillar collagens (PMID: 7695699, 8218237, 19344236). In COL6A1, variants at these glycine residues are significantly enriched in individuals with autosomal dominant disease (PMID: 15689448, 24038877) compared to the general population (ExAC). For these reasons, this variant has been classified as Pathogenic.

Revvity Omics, Revvity
Classification: Uncertain significance. Last evaluated: 2019-04-02. Review status: criteria provided, single submitter. Criteria: ACMG Guidelines, 2015. Collection method: clinical testing. Allele origin: germline.

Eurofins Ntd Llc (ga)
Classification: Likely pathogenic. Last evaluated: 2016-02-11. Review status: criteria provided, single submitter. Criteria: EGL Classification Definitions 2015. Collection method: clinical testing. Allele origin: germline. Observed: 1 variant allele, 1 heterozygote.

Literature cited by the submitters: PubMed 24038877 (cited by 3billion and Labcorp Genetics (formerly Invitae), Labcorp); PubMed 38155714 (cited by 3billion); PubMed 7695699 (cited by Labcorp Genetics (formerly Invitae), Labcorp); PubMed 8218237 (cited by Labcorp Genetics (formerly Invitae), Labcorp); PubMed 19344236 (cited by Labcorp Genetics (formerly Invitae), Labcorp); PubMed 15689448 (cited by Labcorp Genetics (formerly Invitae), Labcorp).